The following is an entry in ClinVar:

ClinVar aggregate classification (germline): Pathogenic (1 of 4 stars; one submission).

Conditions:
Ullrich congenital muscular dystrophy 1A. Also called: Ullrich congenital muscular dystrophy 1; Intermediate COL6-RD. Identifiers: Orphanet 75840, MedGen C0410179, MONDO:0009681, OMIM 254090.

Submission:

Women's Health and Genetics/Laboratory Corporation of America, LabCorp
Classification: Pathogenic for Ullrich congenital muscular dystrophy 1A. Last evaluated: 2026-06-05. Review status: criteria provided, single submitter. Criteria: LabCorp Variant Classification Summary - May 2015. Collection method: clinical testing. Allele origin: germline.
Comment: Variant summary: COL6A1 c.1919dupA (p.Val641GlyfsX89) results in a premature termination codon, predicted to cause a truncation of the encoded protein or absence of the protein due to nonsense mediated decay, which are commonly known mechanisms for disease. The variant was absent in 250166 control chromosomes. To our knowledge, no occurrence of c.1919dupA in individuals affected with COL6A1-related conditions and no experimental evidence demonstrating its impact on protein function have been reported. No submitters have cited clinical-significance assessments for this variant to ClinVar. Based on the evidence outlined above, the variant was classified as pathogenic.

NM_001848.3(COL6A1):c.1919dup (p.Val641fs)

Gene: COL6A1 (collagen type VI alpha 1 chain; plus strand). Cytogenetic location: 21q22.3.
Variant type: Duplication.
Coding change: c.1919dup on transcript NM_001848.3 (MANE Select); coding-DNA position 1919, one base duplicated (A; older notation c.1919dupA).
Protein change: p.Val641fs; shifts the reading frame from valine 641.
Molecular consequence: frameshift variant.
Genome position (GRCh38, 1-based): chr21:46,001,349, A duplicated; the last of 2 consecutive A bases (chr21:46,001,348-46,001,349); duplicating either gives the same sequence. VCF-style (leftmost placement, unchanged base first): chr21-46001347-C-CA. GRCh37 (hg19) VCF-style: chr21-47421261-C-CA.
Other names: c.1919dupA (NM_001848.3); short protein forms V641fs.
Identifiers: ClinVar variation 4887484 (VCV004887484.1).
Genomic context (GRCh38, chr21:46,001,347, plus strand): 5'-GCTGGACAGCTCAGAGAGCATTGGCCTGCAGAACTTCGAGATTGCCAAGGACTTCGTCGT[C>CA]AAGGTCATCGACCGGCTGAGCCGGGACGAGCTGGTCAAGGTGAGGCCTCGCCCCGCCCGG-3'